The following is an entry in ClinVar:

NM_138326.3(ACMSD):c.33A>T (p.Pro11=)

Gene: ACMSD (aminocarboxymuconate semialdehyde decarboxylase; plus strand). Cytogenetic location: 2q21.3.
Variant type: single nucleotide variant.
Coding change: c.33A>T on transcript NM_138326.3 (MANE Select); coding-DNA position 33, A replaced by T.
Protein change: p.Pro11=; no amino-acid change (proline 11 retained).
Molecular consequence: synonymous variant. On other transcripts: 5 prime UTR variant (1).
Genome position (GRCh38, 1-based): chr2:134,838,715, A>T. VCF-style: chr2-134838715-A-T. GRCh37 (hg19) VCF-style: chr2-135596285-A-T.
Other names: c.-199A>T (NM_001307983.2).
Identifiers: ClinVar variation 767825 (VCV000767825.6), dbSNP rs41320845, ClinGen allele CA1882571.

ClinVar aggregate classification (germline): Benign. Review status: criteria provided, multiple submitters, no conflicts (2 of 4 stars). 3 submissions from 3 submitters: Benign (2). 1 of the submissions does not count toward it. Last evaluated 2018-05-03.

Conditions:
ACMSD-related disorder. Also called: ACMSD-related condition.

Allele frequency attached by ClinVar (database versions not stated): gnomAD 0.01226 and 0.01320; ESP Exome Variant Server 0.01268; TOPMed 0.01345; 1000 Genomes Project 0.01398; 1000 Genomes Project 30x 0.01530; gnomAD exomes 0.00119 and 0.00306; ExAC 0.00381.
gnomAD v4.1: 3,684 of 1,612,198 alleles (0.23%); highest among the groups gnomAD compares: African/African-American, 4.4%; 75 homozygotes.

Submissions (3):

Labcorp Genetics (formerly Invitae), Labcorp
Classification: Benign. Last evaluated: 2018-05-03. Review status: criteria provided, single submitter. Criteria: Invitae Variant Classification Sherloc (09022015). Collection method: clinical testing. Allele origin: germline.

Breakthrough Genomics
Classification: Benign. Review status: criteria provided, single submitter. Criteria: ACMG Guidelines, 2015. Collection method: not provided. Allele origin: germline. Inheritance: Unknown mechanism. Affected: yes.

PreventionGenetics, part of Exact Sciences
Classification: Benign for ACMSD-related condition. Last evaluated: 2019-02-24. Review status: no assertion criteria provided. Collection method: clinical testing. Allele origin: germline. Not counted in ClinVar's aggregate classification.
Comment: This variant is classified as benign based on ACMG/AMP sequence variant interpretation guidelines (Richards et al. 2015 PMID: 25741868, with internal and published modifications).